The following is an entry in ClinVar:

ClinVar aggregate classification (germline): Benign/Likely benign. Review status: criteria provided, multiple submitters, no conflicts (2 of 4 stars). 5 submissions from 5 submitters: Benign (3); Likely benign (2). Last evaluated 2026-09-01.

Conditions:
Nephronophthisis 15 (NPHP15). Identifiers: Orphanet 3156, MedGen C3541853, MONDO:0013917, OMIM 614845.

Submissions (5):

CeGaT Center for Human Genetics Tuebingen
Classification: Benign. Last evaluated: 2026-09-01. Review status: criteria provided, single submitter. Criteria: CeGaT Center For Human Genetics Tuebingen Variant Classification Criteria Version 2. Collection method: clinical testing. Allele origin: germline. Affected: yes. Observed: 3 variant alleles.
Comment: CEP164: BS1, BS2

Labcorp Genetics (formerly Invitae), Labcorp
Classification: Benign for Nephronophthisis 15. Last evaluated: 2026-02-04. Review status: criteria provided, single submitter. Criteria: Invitae Variant Classification Sherloc (09022015). Collection method: clinical testing. Allele origin: germline.

Blueprint Genetics
Classification: Likely benign. Last evaluated: 2024-11-27. Review status: criteria provided, single submitter. Criteria: ACMG Guidelines, 2015. Collection method: clinical testing. Allele origin: germline.

Mayo Clinic Laboratories, Mayo Clinic
Classification: Benign. Last evaluated: 2022-11-17. Review status: criteria provided, single submitter. Criteria: ACMG Guidelines, 2015. Collection method: clinical testing. Allele origin: germline. Observed: 7 variant alleles.
Comment: BS1, BS2, BP4, BP7

Fulgent Genetics
Classification: Likely benign for Nephronophthisis 15. Last evaluated: 2022-02-02. Review status: criteria provided, single submitter. Criteria: ACMG Guidelines, 2015. Collection method: clinical testing. Allele origin: unknown.

NM_014956.5(CEP164):c.3216+20_3216+33del

Gene: CEP164 (centrosomal protein 164; plus strand). Cytogenetic location: 11q23.3.
Variant type: Microsatellite.
Coding change: c.3216+20_3216+33del on transcript NM_014956.5 (MANE Select); bases 20 to 33 of the intron after coding-DNA position 3216, 14 bases deleted (CTGGGGGCTGGGGC).
Molecular consequence: intron variant.
Genome position (GRCh38, 1-based): chr11:117,396,200-117,396,213, CTGGGGGCTGGGGC deleted; deleting any 14 consecutive bases within chr11:117,396,186-117,396,213 gives the same sequence; the c. name uses the placement nearest the transcript's 3' end. VCF-style (leftmost placement, unchanged base first): chr11-117396185-GCTGGGGGCTGGGGC-G. GRCh37 (hg19) VCF-style: chr11-117266901-GCTGGGGGCTGGGGC-G.
Other names: p.?; c.3225+20_3225+33del (NM_001271933.2); c.3216+20_3216+33delCTGGGGGCTGGGGC (NM_014956.4).
Identifiers: ClinVar variation 473083 (VCV000473083.20), dbSNP rs200103555, ClinGen allele CA6295361.